The following is an entry in ClinVar:

NM_032119.4(ADGRV1):c.14659C>T (p.Gln4887Ter)

Gene: ADGRV1 (adhesion G protein-coupled receptor V1; plus strand). Cytogenetic location: 5q14.3.
Variant type: single nucleotide variant.
Coding change: c.14659C>T on transcript NM_032119.4 (MANE Select); coding-DNA position 14659, C replaced by T.
Protein change: p.Gln4887Ter; replaces glutamine 4887 with a stop codon.
Molecular consequence: nonsense. On other transcripts: non-coding transcript variant (1).
Genome position (GRCh38, 1-based): chr5:90,802,880, C>T. VCF-style: chr5-90802880-C-T. GRCh37 (hg19) VCF-style: chr5-90098697-C-T.
Other names: short protein forms Q4887*.
Identifiers: ClinVar variation 3651377 (VCV003651377.3).
Genomic context (GRCh38, chr5:90,802,880, plus strand): 5'-ACAATTCTTCAGGAAGCAAAATCTGCTGTCCTTCCAGTCTCTGAGAAAGCTGCCAATTCT[C>T]AGGTAATTGGCCCTGTGTGTGGTTCTCTCAGCAGAACACTAGAGGGCAGCTTTTACAGGA-3'

ClinVar aggregate classification (germline): Pathogenic (1 of 4 stars; one submission).

gnomAD v4.1: 1 of 1,602,036 alleles (0.000062%); highest among the groups gnomAD compares: African/African-American, 0.0013%; no homozygotes.

Submissions (2):

Labcorp Genetics (formerly Invitae), Labcorp
Classification: Pathogenic. Last evaluated: 2024-04-27. Review status: criteria provided, single submitter. Criteria: Invitae Variant Classification Sherloc (09022015). Collection method: clinical testing. Allele origin: germline.
Comment: This sequence change creates a premature translational stop signal (p.Gln4887*) in the ADGRV1 gene. It is expected to result in an absent or disrupted protein product. Loss-of-function variants in ADGRV1 are known to be pathogenic (PMID: 19357117, 22135276, 22147658, 26226137, 30718709, 31047384, 32467589). This variant is not present in population databases (gnomAD no frequency). This variant has not been reported in the literature in individuals affected with ADGRV1-related conditions. For these reasons, this variant has been classified as Pathogenic.

Dr. Peter K. Rogan Lab, Western University
No classification provided (evidence only). Condition: Thyroid cancer, nonmedullary, 1. Review status: no classification provided. Collection method: in vitro. Allele origin: not applicable. Functional consequence: retained intron. Not counted in ClinVar's aggregate classification.

Literature cited by the submitters: PubMed 19357117 (cited by Labcorp Genetics (formerly Invitae), Labcorp); PubMed 22135276 (cited by Labcorp Genetics (formerly Invitae), Labcorp); PubMed 22147658 (cited by Labcorp Genetics (formerly Invitae), Labcorp); PubMed 26226137 (cited by Labcorp Genetics (formerly Invitae), Labcorp); PubMed 30718709 (cited by Labcorp Genetics (formerly Invitae), Labcorp); PubMed 31047384 (cited by Labcorp Genetics (formerly Invitae), Labcorp); PubMed 32467589 (cited by Labcorp Genetics (formerly Invitae), Labcorp).